The following is an entry in ClinVar:

ClinVar aggregate classification (germline): Uncertain significance (1 of 4 stars; one submission).

Conditions:
Tuberous sclerosis 2 (TSC2). Identifiers: Orphanet 805, MedGen C1860707, MONDO:0013199, OMIM 613254.

gnomAD v4.1: 1 of 1,601,434 alleles (0.000062%); highest among the groups gnomAD compares: Admixed American, 0.0017%; no homozygotes.

Submission:

Labcorp Genetics (formerly Invitae), Labcorp
Classification: Uncertain significance for Tuberous sclerosis 2. Last evaluated: 2025-09-24. Review status: criteria provided, single submitter. Criteria: Invitae Variant Classification Sherloc (09022015). Collection method: clinical testing. Allele origin: germline.
Comment: This sequence change replaces serine, which is neutral and polar, with arginine, which is basic and polar, at codon 660 of the TSC2 protein (p.Ser660Arg). This variant is not present in population databases (gnomAD no frequency). This variant has not been reported in the literature in individuals affected with TSC2-related conditions. ClinVar contains an entry for this variant (Variation ID: 2893449). Invitae Evidence Modeling of protein sequence and biophysical properties (such as structural, functional, and spatial information, amino acid conservation, physicochemical variation, residue mobility, and thermodynamic stability) indicates that this missense variant is not expected to disrupt TSC2 protein function with a negative predictive value of 95%. In summary, the available evidence is currently insufficient to determine the role of this variant in disease. Therefore, it has been classified as a Variant of Uncertain Significance.

NM_000548.5(TSC2):c.1980C>G (p.Ser660Arg)

Gene: TSC2 (TSC complex subunit 2; plus strand). Cytogenetic location: 16p13.3.
Variant type: single nucleotide variant.
Coding change: c.1980C>G on transcript NM_000548.5 (MANE Select); coding-DNA position 1980, C replaced by G.
Protein change: p.Ser660Arg; replaces serine 660 with arginine.
Molecular consequence: missense variant. On other transcripts: non-coding transcript variant (5).
Genome position (GRCh38, 1-based): chr16:2,071,817, C>G. VCF-style: chr16-2071817-C-G. GRCh37 (hg19) VCF-style: chr16-2121818-C-G.
Other names: c.1380C>G, p.Ser460Arg (NM_001406682.1, NM_001406683.1, NM_001406684.1 and 6 more transcripts); c.636C>G, p.Ser212Arg (NM_001406689.1, NM_001406690.1, NM_001406691.1 and 6 more transcripts); c.1980C>G, p.Ser660Arg (NM_001077183.3, NM_001114382.3, NM_001363528.2 and 6 more transcripts); c.1869C>G, p.Ser623Arg (NM_001318827.2, NM_001406670.1, NM_001406678.1); c.1833C>G, p.Ser611Arg (NM_001318829.2, NM_001406675.1, NM_001406676.1 and 1 more transcripts); c.2013C>G, p.Ser671Arg (NM_001318832.2); c.2070C>G, p.Ser690Arg (NM_001406667.1, NM_001406668.1); c.1968C>G, p.Ser656Arg (NM_001406671.1, NM_001406673.1); and 3 more; short protein forms S506R, S623R, S656R, S690R, S212R, S660R, S126R, S611R.
Identifiers: ClinVar variation 2893449 (VCV002893449.3), dbSNP rs959705365, ClinGen allele CA394274372.